The following is an entry in ClinVar:

ClinVar aggregate classification (germline): Conflicting classifications of pathogenicity. Review status: criteria provided, conflicting classifications (1 of 4 stars). 3 submissions from 3 submitters: Uncertain significance (2); Likely benign (1). Last evaluated 2025-08-23.

Conditions:
Kufor-Rakeb syndrome (KRS). Also called: PARKINSON DISEASE 9, AUTOSOMAL RECESSIVE, JUVENILE-ONSET. Identifiers: Orphanet 306674, Orphanet 314632, MedGen C1847640, MONDO:0011706, OMIM 606693.
Autosomal recessive spastic paraplegia type 78. Identifiers: Orphanet 513436, MedGen C5567893, MONDO:0014975, OMIM 617225.
Inborn genetic diseases. Identifiers: MedGen C0950123, MeSH D030342.

Allele frequency attached by ClinVar (database versions not stated): ExAC 0.00002; gnomAD exomes 0.00004; TOPMed 0.00007; gnomAD 0.00008 and 0.00009.
gnomAD v4.1: 135 of 1,613,096 alleles (0.0084%); highest among the groups gnomAD compares: African/African-American, 0.011%; no homozygotes.

Submissions (3):

Ambry Genetics
Classification: Likely benign for Inborn genetic diseases. Last evaluated: 2025-08-23. Review status: criteria provided, single submitter. Criteria: Ambry Variant Classification Scheme 2023. Collection method: clinical testing. Allele origin: germline.

GeneDx
Classification: Uncertain significance. Last evaluated: 2025-03-28. Review status: criteria provided, single submitter. Criteria: GeneDx Variant Classification Process June 2021. Collection method: clinical testing. Allele origin: germline. Affected: yes.
Comment: In silico analysis indicates that this missense variant does not alter protein structure/function; Has not been previously published as pathogenic or benign to our knowledge

Labcorp Genetics (formerly Invitae), Labcorp
Classification: Uncertain significance for Kufor-Rakeb syndrome; Autosomal recessive spastic paraplegia type 78. Last evaluated: 2022-08-21. Review status: criteria provided, single submitter. Criteria: Invitae Variant Classification Sherloc (09022015). Collection method: clinical testing. Allele origin: germline.
Comment: This sequence change replaces arginine, which is basic and polar, with glutamine, which is neutral and polar, at codon 78 of the ATP13A2 protein (p.Arg78Gln). This variant is present in population databases (rs773087322, gnomAD 0.01%). This variant has not been reported in the literature in individuals affected with ATP13A2-related conditions. ClinVar contains an entry for this variant (Variation ID: 651864). Advanced modeling of protein sequence and biophysical properties (such as structural, functional, and spatial information, amino acid conservation, physicochemical variation, residue mobility, and thermodynamic stability) performed at Invitae indicates that this missense variant is not expected to disrupt ATP13A2 protein function. Algorithms developed to predict the effect of sequence changes on RNA splicing suggest that this variant may create or strengthen a splice site. In summary, the available evidence is currently insufficient to determine the role of this variant in disease. Therefore, it has been classified as a Variant of Uncertain Significance.

NM_022089.4(ATP13A2):c.233G>A (p.Arg78Gln)

Gene: ATP13A2 (ATPase cation transporting 13A2; minus strand). Cytogenetic location: 1p36.13.
Variant type: single nucleotide variant.
Coding change: c.233G>A on transcript NM_022089.4 (MANE Select); coding-DNA position 233, G replaced by A.
Protein change: p.Arg78Gln; replaces arginine 78 with glutamine.
Molecular consequence: missense variant.
Genome position (GRCh38, 1-based): chr1:17,005,429, C>T on the plus strand (G>A on the coding strand, the complement: ATP13A2 is on the minus strand). VCF-style: chr1-17005429-C-T. GRCh37 (hg19) VCF-style: chr1-17331924-C-T.
Other names: c.233G>A (NM_022089.2); c.233G>A, p.Arg78Gln (NM_001141973.3, NM_001141974.3); short protein forms R78Q.
Identifiers: ClinVar variation 651864 (VCV000651864.4), dbSNP rs773087322, ClinGen allele CA637722.